The following is an entry in ClinVar:

ClinVar aggregate classification (germline): Pathogenic. Review status: criteria provided, single submitter (1 of 4 stars). 2 submissions from 1 submitter: Pathogenic (1). 1 of the submissions does not count toward it. Last evaluated 2021-04-23.

Conditions:
Autoimmune lymphoproliferative syndrome type 1. Also called: AUTOIMMUNE LYMPHOPROLIFERATIVE SYNDROME, TYPE I, AUTOSOMAL DOMINANT. Identifiers: Orphanet 3261, MedGen C2717884, MONDO:0011158, OMIM 601859.

Submissions (2):

Labcorp Genetics (formerly Invitae), Labcorp
Classification: Pathogenic for Autoimmune lymphoproliferative syndrome. Last evaluated: 2021-04-23. Review status: criteria provided, single submitter. Criteria: Invitae Variant Classification Sherloc (09022015). Collection method: clinical testing. Allele origin: germline.
Comment: For these reasons, this variant has been classified as Pathogenic. This variant has not been reported in the literature in individuals with FASLG-related conditions. A gross deletion of the genomic region encompassing the full coding sequence of the FASLG gene has been identified. Loss-of-function variants in FASLG are known to be pathogenic (PMID: 22857792, 25451160). The boundaries of this event are unknown as they extend beyond the assayed region for this gene and therefore may encompass additional genes.

Labcorp Genetics (formerly Invitae), Labcorp
Classification: Uncertain significance. Last evaluated: 2021-10-21. Review status: flagged submission. Criteria: Invitae Variant Classification Sherloc (09022015). Collection method: clinical testing. Allele origin: germline. Not counted in ClinVar's aggregate classification.
Comment: A gross deletion of the genomic region encompassing the full coding sequence of the SUCO gene has been identified. The current clinical and genetic evidence is not sufficient to establish whether loss-of-function variants in SUCO cause disease. The boundaries of this event are unknown as they extend beyond the assayed region for this gene and therefore may encompass additional genes. This variant has not been reported in the literature in individuals affected with SUCO-related conditions. In summary, the available evidence is currently insufficient to determine the role of this variant in disease. Therefore, it has been classified as a Variant of Uncertain Significance.
ClinVar note: Reason: This record appears to be redundant with a more recent record from the same submitter.
ClinVar note: Notes: SCV002174505 appears to be redundant with SCV002133751.

Literature cited by the submitters: PubMed 22857792; PubMed 25451160.

NC_000001.10:g.(?_171605065)_(173962123_?)del

Genes: KLHL20 (kelch like family member 20; plus strand), C1orf105 (chromosome 1 open reading frame 105; plus strand), MIR3120 (microRNA 3120; plus strand), MYOC (myocilin; minus strand), CENPL (centromere protein L; minus strand) and 19 more. Cytogenetic location: 1q24.3-25.1.
Variant type: Deletion.
Identifiers: ClinVar variation 1367461 (VCV001367461.5).